The following is an entry in ClinVar:

NM_001009944.3(PKD1):c.12692A>G (p.Gln4231Arg)

Gene: PKD1 (polycystin 1, transient receptor potential channel interacting; minus strand). Cytogenetic location: 16p13.3.
Variant type: single nucleotide variant.
Coding change: c.12692A>G on transcript NM_001009944.3 (MANE Select); coding-DNA position 12692, A replaced by G.
Protein change: p.Gln4231Arg; replaces glutamine 4231 with arginine.
Molecular consequence: missense variant.
Genome position (GRCh38, 1-based): chr16:2,089,947, T>C on the plus strand (A>G on the coding strand, the complement: PKD1 is on the minus strand). VCF-style: chr16-2089947-T-C. GRCh37 (hg19) VCF-style: chr16-2139948-T-C.
Other names: c.12689A>G, p.Gln4230Arg (NM_000296.4); short protein forms Q4230R, Q4231R.
Identifiers: ClinVar variation 2578755 (VCV002578755.25), dbSNP rs2544576445, ClinGen allele CA394320787.
Genomic context (GRCh38, chr16:2,089,947, plus strand): 5'-CTCCTGCGGCCTTGCAGGCTGTGCAGCTGCTGCTCCAGCTGGTAGACGTCCTCTGTGGCC[T>C]GGTTGAGTCGGTCAAACTGGGTGAGCAGGGCCTCGAACACGGCTTGGAGGCGGGAGGGCT-3'
Protein context (NP_001009944.3, residues 4221-4241): ALLTQFDRLN[Gln4231Arg]ATEDVYQLEQ

ClinVar aggregate classification (germline): Uncertain significance (1 of 4 stars; one submission).

Allele frequency attached by ClinVar (database versions not stated): gnomAD exomes below 0.00001.
gnomAD v4.1: 3 of 1,612,306 alleles (0.00019%); highest among the groups gnomAD compares: Non-Finnish European, 0.00025%; no homozygotes.

Submission:

CeGaT Center for Human Genetics Tuebingen
Classification: Uncertain significance. Last evaluated: 2023-06-01. Review status: criteria provided, single submitter. Criteria: CeGaT Center For Human Genetics Tuebingen Variant Classification Criteria Version 2. Collection method: clinical testing. Allele origin: germline. Affected: yes. Observed: 1 variant allele.
Comment: PKD1: PM2, BP4